The following is an entry in ClinVar:

NM_001379610.1(SPINK1):c.*10_*38del

Gene: SPINK1 (serine peptidase inhibitor Kazal type 1; minus strand). Cytogenetic location: 5q32.
Variant type: Deletion.
Coding change: c.*10_*38del on transcript NM_001379610.1 (MANE Select); 10 bases downstream of the stop codon through 38 bases downstream of the stop codon, 29 bases deleted (TTTTGAAATCCCATCAGGTCACCGCGAGG).
Molecular consequence: 3 prime UTR variant.
Genome position (GRCh38, 1-based): chr5:147,824,623-147,824,651, CCTCGCGGTGACCTGATGGGATTTCAAAA deleted on the plus strand (TTTTGAAATCCCATCAGGTCACCGCGAGG on the coding strand, the reverse complement: SPINK1 is on the minus strand); deleting any 29 consecutive bases within chr5:147,824,623-147,824,654 gives the same sequence; the c. name uses the placement nearest the transcript's 3' end. VCF-style (leftmost placement, unchanged base first): chr5-147824622-GCCTCGCGGTGACCTGATGGGATTTCAAAA-G. GRCh37 (hg19) VCF-style: chr5-147204185-GCCTCGCGGTGACCTGATGGGATTTCAAAA-G.
Other names: c.*10_*38del (NM_001354966.2, NM_003122.5).
Identifiers: ClinVar variation 2581196 (VCV002581196.1), dbSNP rs2480191826, ClinGen allele CA2582341655.

ClinVar aggregate classification (germline): Uncertain significance (1 of 4 stars; one submission).

Submission:

Women's Health and Genetics/Laboratory Corporation of America, LabCorp
Classification: Uncertain significance. Last evaluated: 2023-08-18. Review status: criteria provided, single submitter. Criteria: LabCorp Variant Classification Summary - May 2015. Collection method: clinical testing. Allele origin: germline.
Comment: Variant summary: SPINK1 c.*10_*38del29 is located in the untranslated mRNA region downstream of the termination codon. The variant was absent in 250562 control chromosomes (gnomAD). The available data on variant occurrences in the general population are insufficient to allow any conclusion about variant significance. To our knowledge, no occurrence of c.*10_*38del29 in individuals affected with Chronic Pancreatitis Risk and no experimental evidence demonstrating its impact on protein function have been reported. No submitters have cited clinical-significance assessments for this variant to ClinVar after 2014. Based on the evidence outlined above, the variant was classified as uncertain significance.